The following is an entry in ClinVar:

ClinVar aggregate classification (germline): Pathogenic/Likely pathogenic. Review status: criteria provided, multiple submitters, no conflicts (2 of 4 stars). 4 submissions from 4 submitters: Pathogenic (3); Likely pathogenic (1). Last evaluated 2024-09-27.

Conditions:
Hereditary cancer-predisposing syndrome. Also called: Neoplastic Syndromes, Hereditary; Tumor predisposition; Hereditary neoplastic syndrome; Hereditary Cancer Syndrome. Identifiers: Orphanet 140162, MedGen C0027672, MeSH D009386, MONDO:0015356.
Familial adenomatous polyposis 4 (FAP4). Also called: MSH3-related attenuated familial adenomatous polyposis. Identifiers: Orphanet 480536, MedGen C4310719, MONDO:0044300, OMIM 617100.
Endometrial carcinoma. Also called: Endometrial carcinoma, somatic. Identifiers: MedGen C0476089, MONDO:0002447, OMIM 608089, HP:0012114.

Submissions (4):

Labcorp Genetics (formerly Invitae), Labcorp
Classification: Pathogenic. Last evaluated: 2024-09-27. Review status: criteria provided, single submitter. Criteria: Invitae Variant Classification Sherloc (09022015). Collection method: clinical testing. Allele origin: germline.
Comment: This sequence change creates a premature translational stop signal (p.Val292Metfs*15) in the MSH3 gene. It is expected to result in an absent or disrupted protein product. Loss-of-function variants in MSH3 are known to be pathogenic (PMID: 27476653, 37402566). This variant is present in population databases (rs763478027, gnomAD 0.003%). This variant has not been reported in the literature in individuals affected with MSH3-related conditions. ClinVar contains an entry for this variant (Variation ID: 643770). For these reasons, this variant has been classified as Pathogenic.

Ambry Genetics
Classification: Pathogenic for Hereditary cancer-predisposing syndrome. Last evaluated: 2024-05-29. Review status: criteria provided, single submitter. Criteria: Ambry Variant Classification Scheme 2023. Collection method: clinical testing. Allele origin: germline.
Comment: The c.873_876delTGTT pathogenic mutation, located in coding exon 5 of the MSH3 gene, results from a deletion of 4 nucleotides at nucleotide positions 873 to 876, causing a translational frameshift with a predicted alternate stop codon (p.V292Mfs*15). This variant is considered to be rare based on population cohorts in the Genome Aggregation Database (gnomAD). This alteration is expected to result in loss of function by premature protein truncation or nonsense-mediated mRNA decay. As such, this alteration is interpreted as a disease-causing mutation.

Myriad Genetics, Inc.
Classification: Pathogenic for Familial adenomatous polyposis 4. Last evaluated: 2023-08-29. Review status: criteria provided, single submitter. Criteria: Myriad Autosomal Dominant, Autosomal Recessive and X-Linked Classification Criteria (2023). Collection method: clinical testing. Allele origin: unknown.
Comment: This variant is considered pathogenic. This variant creates a frameshift predicted to result in premature protein truncation.

Baylor Genetics
Classification: Likely pathogenic for Endometrial carcinoma. Last evaluated: 2023-02-20. Review status: criteria provided, single submitter. Criteria: ACMG Guidelines, 2015. Collection method: clinical testing. Allele origin: unknown.

Literature cited by the submitters: PubMed 27476653 (cited by Labcorp Genetics (formerly Invitae), Labcorp); PubMed 37402566 (cited by Labcorp Genetics (formerly Invitae), Labcorp).

NM_002439.5(MSH3):c.873_876del (p.Val292fs)

Gene: MSH3 (mutS homolog 3; plus strand). Cytogenetic location: 5q14.1.
Variant type: Microsatellite.
Coding change: c.873_876del on transcript NM_002439.5 (MANE Select); coding-DNA positions 873 to 876, 4 bases deleted (TGTT; older notation c.873_876delTGTT).
Protein change: p.Val292fs; shifts the reading frame from valine 292.
Molecular consequence: frameshift variant.
Genome position (GRCh38, 1-based): chr5:80,672,324-80,672,327, TGTT deleted; deleting any 4 consecutive bases within chr5:80,672,320-80,672,327 gives the same sequence; the c. name uses the placement nearest the transcript's 3' end. VCF-style (leftmost placement, unchanged base first): chr5-80672319-CTGTT-C. GRCh37 (hg19) VCF-style: chr5-79968138-CTGTT-C.
Other names: c.873_876del (NM_002439.4); short protein forms V292fs.
Identifiers: ClinVar variation 643770 (VCV000643770.14), dbSNP rs763478027, ClinGen allele CA3327729.